The following is an entry in ClinVar:

ClinVar aggregate classification (germline): Likely benign. Review status: criteria provided, multiple submitters, no conflicts (2 of 4 stars). 2 submissions from 2 submitters: Likely benign (2). Last evaluated 2023-11-16.

Conditions:
Malignant hyperthermia, susceptibility to, 1 (MHS1). Also called: Malignant hyperthermia suceptibility 1; Anesthesia related hyperthermia; Malignant hyperpyrexia; Fulminating hyperpyrexia; Pharmacogenic myopathy; RYR1-Related Malignant Hyperthermia Susceptibility. Identifiers: Orphanet 423, MedGen C2930980, MONDO:0007783, OMIM 145600.
RYR1-related disorder. Also called: RYR1-related condition; RYR1-related disorders. Identifiers: MedGen CN239331.

Allele frequency attached by ClinVar (database versions not stated): TOPMed below 0.00001.

Submissions (2):

Labcorp Genetics (formerly Invitae), Labcorp
Classification: Likely benign for RYR1-related disorder. Last evaluated: 2023-11-16. Review status: criteria provided, single submitter. Criteria: Invitae Variant Classification Sherloc (09022015). Collection method: clinical testing. Allele origin: germline.

All of Us Research Program, National Institutes of Health
Classification: Likely benign for Malignant hyperthermia, susceptibility to, 1. Last evaluated: 2023-06-26. Review status: criteria provided, single submitter. Criteria: ACMG Guidelines, 2015. Collection method: clinical testing. Allele origin: germline. Inheritance: Autosomal dominant inheritance. Observed: 1 variant allele, 1 heterozygote.
Comment: This study involves interpretation of variants in research participants for the purpose of population health screening. Participant phenotype was not available at the time of variant classification. Additional details can be found in publication PMID: 35346344, PMCID: PMC8962531

NM_000540.3(RYR1):c.11142-6C>T

Gene: RYR1 (ryanodine receptor 1; plus strand). Cytogenetic location: 19q13.2.
Variant type: single nucleotide variant.
Coding change: c.11142-6C>T on transcript NM_000540.3 (MANE Select); 6 bases into the intron before coding-DNA position 11142, C replaced by T.
Molecular consequence: intron variant.
Genome position (GRCh38, 1-based): chr19:38,532,484, C>T. VCF-style: chr19-38532484-C-T. GRCh37 (hg19) VCF-style: chr19-39023124-C-T.
Other names: c.11127-6C>T (NM_001042723.2).
Identifiers: ClinVar variation 2904311 (VCV002904311.4), dbSNP rs1436182429, ClinGen allele CA632866544.